The following is an entry in ClinVar:

ClinVar aggregate classification (germline): Benign (1 of 4 stars; one submission).

Conditions:
Neurofibromatosis, type 2 (SWNV). Also called: SCHWANNOMATOSIS, VESTIBULAR; BILATERAL ACOUSTIC NEUROFIBROMATOSIS; NF2-Related Schwannomatosis. Identifiers: Orphanet 637, MedGen C0027832, MONDO:0007039, OMIM 101000. Disease mechanism: loss of function.

Allele frequency attached by ClinVar (database versions not stated): gnomAD exomes 0.00397; gnomAD 0.00549 and 0.00601; TOPMed 0.00598; 1000 Genomes Project 0.01118; 1000 Genomes Project 30x 0.01156.
gnomAD v4.1: 1,209 of 227,672 alleles (0.53%); highest among the groups gnomAD compares: South Asian, 2.4%; 6 homozygotes.

Submission:

Illumina Laboratory Services, Illumina
Classification: Benign for Neurofibromatosis, type 2. Last evaluated: 2018-01-12. Review status: criteria provided, single submitter. Criteria: ICSL Variant Classification Criteria 13 December 2019. Collection method: clinical testing. Allele origin: germline.
Comment: This variant was observed in the ICSL laboratory as part of a predisposition screen in an ostensibly healthy population. It had not been previously curated by ICSL or reported in the Human Gene Mutation Database (HGMD: prior to June 1st, 2018), and was therefore a candidate for classification through an automated scoring system. Utilizing variant allele frequency, disease prevalence and penetrance estimates, and inheritance mode, an automated score was calculated to assess if this variant is too frequent to cause the disease. Based on the score and internal cut-off values, a variant classified as benign is not then subjected to further curation. The score for this variant resulted in a classification of benign for this disease.

NM_000268.4(NF2):c.*3208G>A

Gene: NF2 (NF2, moesin-ezrin-radixin like (MERLIN) tumor suppressor; plus strand). Cytogenetic location: 22q12.2.
Variant type: single nucleotide variant.
Coding change: c.*3208G>A on transcript NM_000268.4 (MANE Select); 3208 bases downstream of the stop codon, G replaced by A.
Molecular consequence: 3 prime UTR variant. On other transcripts: non-coding transcript variant (1).
Genome position (GRCh38, 1-based): chr22:29,698,010, G>A. VCF-style: chr22-29698010-G-A. GRCh37 (hg19) VCF-style: chr22-30093999-G-A.
Other names: c.*3268G>A (NM_016418.5, NM_181828.3, NM_181829.3 and 1 more transcripts); c.*3283G>A (NM_181832.3); c.*3208G>A (NM_181833.3).
Identifiers: ClinVar variation 341165 (VCV000341165.5), dbSNP rs117863523, ClinGen allele CA10654022.